The following is an entry in ClinVar:

NM_002473.6(MYH9):c.1626C>T (p.Phe542=)

Gene: MYH9 (myosin heavy chain 9; minus strand). Cytogenetic location: 22q12.3.
Variant type: single nucleotide variant.
Coding change: c.1626C>T on transcript NM_002473.6 (MANE Select); coding-DNA position 1626, C replaced by T.
Protein change: p.Phe542=; no amino-acid change (phenylalanine 542 retained).
Molecular consequence: synonymous variant.
Genome position (GRCh38, 1-based): chr22:36,312,151, G>A on the plus strand (C>T on the coding strand, the complement: MYH9 is on the minus strand). VCF-style: chr22-36312151-G-A. GRCh37 (hg19) VCF-style: chr22-36708196-G-A.
Other names: p.Phe542=.
Identifiers: ClinVar variation 164456 (VCV000164456.25), dbSNP rs7285745, ClinGen allele CA177135.

ClinVar aggregate classification (germline): Benign. Review status: criteria provided, multiple submitters, no conflicts (2 of 4 stars). 11 submissions from 10 submitters: Benign (9). 2 of the submissions do not count toward it. Last evaluated 2026-02-01.

Conditions:
MYH9-related disorder. Identifiers: MedGen C1854520.
Autosomal dominant nonsyndromic hearing loss 17. Also called: Autosomal dominant nonsyndromic deafness 17; Deafness, autosomal dominant 17. Identifiers: Orphanet 90635, MedGen C1863659, MONDO:0011350, OMIM 603622.

Allele frequency attached by ClinVar (database versions not stated): gnomAD exomes 0.00098 and 0.00245; ExAC 0.00293; 1000 Genomes Project 0.00759; 1000 Genomes Project 30x 0.00859; gnomAD 0.00943 and 0.01011; TOPMed 0.01067; ESP Exome Variant Server 0.01069.
gnomAD v4.1: 2,956 of 1,614,152 alleles (0.18%); highest among the groups gnomAD compares: African/African-American, 3.1%; 39 homozygotes.

Submissions (11):

Labcorp Genetics (formerly Invitae), Labcorp
Classification: Benign. Last evaluated: 2026-02-01. Review status: criteria provided, single submitter. Criteria: Invitae Variant Classification Sherloc (09022015). Collection method: clinical testing. Allele origin: germline.

Mayo Clinic Laboratories, Mayo Clinic
Classification: Benign. Last evaluated: 2025-04-16. Review status: criteria provided, single submitter. Criteria: ACMG Guidelines, 2015. Collection method: clinical testing. Allele origin: germline. Observed: 4 variant alleles.
Comment: BS1, BS2, BP4, BP7

ARUP Laboratories, Molecular Genetics and Genomics, ARUP Laboratories
Classification: Benign. Last evaluated: 2024-06-12. Review status: criteria provided, single submitter. Criteria: ARUP Molecular Germline Variant Investigation Process 2024. Collection method: clinical testing. Allele origin: germline.

GeneDx
Classification: Benign. Last evaluated: 2018-03-27. Review status: criteria provided, single submitter. Criteria: GeneDx Variant Classification (06012015). Collection method: clinical testing. Allele origin: germline. Affected: yes.
Comment: This variant is considered likely benign or benign based on one or more of the following criteria: it is a conservative change, it occurs at a poorly conserved position in the protein, it is predicted to be benign by multiple in silico algorithms, and/or has population frequency not consistent with disease.

Illumina Laboratory Services, Illumina
Classification: Benign for MYH9-related disorder. Last evaluated: 2018-01-13. Review status: criteria provided, single submitter. Criteria: ICSL Variant Classification Criteria 13 December 2019. Collection method: clinical testing. Allele origin: germline.
Comment: This variant was observed in the ICSL laboratory as part of a predisposition screen in an ostensibly healthy population. It had not been previously curated by ICSL or reported in the Human Gene Mutation Database (HGMD: prior to June 1st, 2018), and was therefore a candidate for classification through an automated scoring system. Utilizing variant allele frequency, disease prevalence and penetrance estimates, and inheritance mode, an automated score was calculated to assess if this variant is too frequent to cause the disease. Based on the score and internal cut-off values, a variant classified as benign is not then subjected to further curation. The score for this variant resulted in a classification of benign for this disease.

Illumina Laboratory Services, Illumina
Classification: Benign for Autosomal dominant nonsyndromic hearing loss 17. Last evaluated: 2018-01-13. Review status: criteria provided, single submitter. Criteria: ICSL Variant Classification Criteria 13 December 2019. Collection method: clinical testing. Allele origin: germline.
Comment: the same text as in the submission from Illumina Laboratory Services, Illumina above.

Laboratory for Molecular Medicine, Mass General Brigham Personalized Medicine
Classification: Benign. Last evaluated: 2012-05-07. Review status: criteria provided, single submitter. Criteria: LMM Criteria. Collection method: clinical testing. Allele origin: germline. Observed: 15 variant alleles.
Comment: "Phe542Phe in Exon 14 of MYH9: This variant is not expected to have clinical sig nificance because it does not alter an amino acid residue, is not located within the splice consensus sequence, and has been identified in 2.9% (109/3738) of Af rican American chromosomes from a broad population by the NHLBI Exome Sequencing Project (dbSNP rs7285745)."

Breakthrough Genomics
Classification: Benign. Review status: criteria provided, single submitter. Criteria: ACMG Guidelines, 2015. Collection method: not provided. Allele origin: germline. Inheritance: Autosomal dominant inheritance. Affected: yes.

PreventionGenetics, part of Exact Sciences
Classification: Benign. Review status: criteria provided, single submitter. Criteria: ACMG Guidelines, 2015. Collection method: clinical testing. Allele origin: germline.

Genome Diagnostics Laboratory, University Medical Center Utrecht
Classification: Benign. Review status: no assertion criteria provided. Collection method: clinical testing. Allele origin: germline. Affected: yes. Study: VKGL Data-share Consensus. Not counted in ClinVar's aggregate classification.

Joint Genome Diagnostic Labs from Nijmegen and Maastricht, Radboudumc and MUMC+
Classification: Benign. Review status: no assertion criteria provided. Collection method: clinical testing. Allele origin: germline. Affected: yes. Study: VKGL Data-share Consensus. Not counted in ClinVar's aggregate classification.